The following is an entry in ClinVar:

ClinVar aggregate classification (germline): Uncertain significance. Review status: criteria provided, multiple submitters, no conflicts (2 of 4 stars). 2 submissions from 2 submitters: Uncertain significance (2). Last evaluated 2026-01-19.

Allele frequency attached by ClinVar (database versions not stated): TOPMed below 0.00001; gnomAD 0.00001; gnomAD exomes 0.00002; ExAC 0.00003.

Submissions (2):

Labcorp Genetics (formerly Invitae), Labcorp
Classification: Uncertain significance. Last evaluated: 2026-01-19. Review status: criteria provided, single submitter. Criteria: Invitae Variant Classification Sherloc (09022015). Collection method: clinical testing. Allele origin: germline.
Comment: This sequence change replaces glycine, which is neutral and non-polar, with arginine, which is basic and polar, at codon 206 of the COQ7 protein (p.Gly206Arg). This variant is present in population databases (rs760045887, gnomAD 0.02%). This variant has not been reported in the literature in individuals affected with COQ7-related conditions. ClinVar contains an entry for this variant (Variation ID: 2077437). An algorithm developed to predict the effect of missense changes on protein structure and function (PolyPhen-2) suggests that this variant is likely to be disruptive. In summary, the available evidence is currently insufficient to determine the role of this variant in disease. Therefore, it has been classified as a Variant of Uncertain Significance.

Ambry Genetics
Classification: Uncertain significance. Last evaluated: 2023-10-11. Review status: criteria provided, single submitter. Criteria: Ambry Variant Classification Scheme 2023. Collection method: clinical testing. Allele origin: germline.

NM_016138.5(COQ7):c.616G>A (p.Gly206Arg)

Gene: COQ7 (coenzyme Q7, hydroxylase; plus strand). Cytogenetic location: 16p12.3.
Variant type: single nucleotide variant.
Coding change: c.616G>A on transcript NM_016138.5 (MANE Select); coding-DNA position 616, G replaced by A.
Protein change: p.Gly206Arg; replaces glycine 206 with arginine.
Molecular consequence: missense variant. On other transcripts: non-coding transcript variant (3).
Genome position (GRCh38, 1-based): chr16:19,078,120, G>A. VCF-style: chr16-19078120-G-A. GRCh37 (hg19) VCF-style: chr16-19089442-G-A.
Other names: c.616G>A (NM_016138.4); c.502G>A, p.Gly168Arg (NM_001190983.2, NM_001370492.1, NM_001370493.1 and 1 more transcripts); c.574G>A, p.Gly192Arg (NM_001370489.1); c.547G>A, p.Gly183Arg (NM_001370490.1); c.505G>A, p.Gly169Arg (NM_001370491.1); c.433G>A, p.Gly145Arg (NM_001370495.1); short protein forms G145R, G183R, G192R, G206R, G168R, G169R.
Identifiers: ClinVar variation 2077437 (VCV002077437.4), dbSNP rs760045887, ClinGen allele CA7933097.